The following is an entry in ClinVar:

ClinVar aggregate classification (germline): Pathogenic (1 of 4 stars; one submission).

Submission:

Labcorp Genetics (formerly Invitae), Labcorp
Classification: Pathogenic. Last evaluated: 2024-04-17. Review status: criteria provided, single submitter. Criteria: Invitae Variant Classification Sherloc (09022015). Collection method: clinical testing. Allele origin: germline.
Comment: This sequence change creates a premature translational stop signal (p.Asp176Glyfs*47) in the IHH gene. While this is not anticipated to result in nonsense mediated decay, it is expected to disrupt the last 236 amino acid(s) of the IHH protein. This variant is not present in population databases (gnomAD no frequency). This variant has not been reported in the literature in individuals affected with IHH-related conditions. ClinVar contains an entry for this variant (Variation ID: 1484276). Experimental studies and prediction algorithms are not available or were not evaluated, and the functional significance of this variant is currently unknown. This variant disrupts a region of the IHH protein in which other variant(s) (p.Val317Met) have been determined to be pathogenic (PMID: 29155992, 32311039). This suggests that this is a clinically significant region of the protein, and that variants that disrupt it are likely to be disease-causing. For these reasons, this variant has been classified as Pathogenic.

Literature cited by the submitters: PubMed 29155992; PubMed 32311039.

NM_002181.4(IHH):c.527_530del (p.Asp176fs)

Gene: IHH (Indian hedgehog signaling molecule; minus strand). Cytogenetic location: 2q35.
Variant type: Deletion.
Coding change: c.527_530del on transcript NM_002181.4 (MANE Select); coding-DNA positions 527 to 530, 4 bases deleted (ACTG; older notation c.527_530delACTG).
Protein change: p.Asp176fs; shifts the reading frame from aspartic acid 176.
Molecular consequence: frameshift variant.
Genome position (GRCh38, 1-based): chr2:219,057,480-219,057,483, CAGT deleted on the plus strand (ACTG on the coding strand, the reverse complement: IHH is on the minus strand); deleting any 4 consecutive bases within chr2:219,057,480-219,057,485 gives the same sequence; the c. name uses the placement nearest the transcript's 3' end. VCF-style (leftmost placement, unchanged base first): chr2-219057479-CCAGT-C. GRCh37 (hg19) VCF-style: chr2-219922201-CCAGT-C.
Other names: short protein forms D176fs.
Identifiers: ClinVar variation 1484276 (VCV001484276.8), dbSNP rs2106308424, ClinGen allele CA2573135247.